The following is an entry in ClinVar:

ClinVar aggregate classification (germline): Benign/Likely benign. Review status: criteria provided, multiple submitters, no conflicts (2 of 4 stars). 2 submissions from 2 submitters: Benign (1); Likely benign (1). Last evaluated 2025-02-05.

Conditions:
POLD1-related polyposis and colorectal cancer syndrome (CRCS10). Also called: Colorectal cancer 10; COLORECTAL CANCER, SUSCEPTIBILITY TO, ON CHROMOSOME 19q; Colorectal cancer, susceptibility to, 10. Identifiers: Orphanet 220460, MedGen C2675481, MONDO:0012953, OMIM 612591.
Hereditary cancer-predisposing syndrome. Also called: Neoplastic Syndromes, Hereditary; Tumor predisposition; Hereditary Cancer Syndrome; Hereditary neoplastic syndrome. Identifiers: Orphanet 140162, MedGen C0027672, MeSH D009386, MONDO:0015356.

Submissions (2):

Myriad Genetics, Inc.
Classification: Benign for POLD1-related polyposis and colorectal cancer syndrome. Last evaluated: 2025-02-05. Review status: criteria provided, single submitter. Criteria: Myriad Autosomal Dominant, Autosomal Recessive and X-Linked Classification Criteria (2023). Collection method: clinical testing. Allele origin: unknown.
Comment: This variant is considered benign. This variant is a silent/synonymous amino acid change and it is not expected to impact splicing.

Ambry Genetics
Classification: Likely benign for Hereditary cancer-predisposing syndrome. Last evaluated: 2024-05-10. Review status: criteria provided, single submitter. Criteria: Ambry Variant Classification Scheme 2023. Collection method: clinical testing. Allele origin: germline.

NM_002691.4(POLD1):c.1140C>T (p.Ala380=)

Gene: POLD1 (DNA polymerase delta 1, catalytic subunit; plus strand). Cytogenetic location: 19q13.33.
Variant type: single nucleotide variant.
Coding change: c.1140C>T on transcript NM_002691.4 (MANE Select); coding-DNA position 1140, C replaced by T.
Protein change: p.Ala380=; no amino-acid change (alanine 380 retained).
Molecular consequence: synonymous variant. On other transcripts: non-coding transcript variant (1).
Genome position (GRCh38, 1-based): chr19:50,403,495, C>T. VCF-style: chr19-50403495-C-T. GRCh37 (hg19) VCF-style: chr19-50906752-C-T.
Other names: c.1140C>T, p.Ala380= (NM_001256849.1, NM_001308632.1).
Identifiers: ClinVar variation 3308291 (VCV003308291.2).